The following is an entry in ClinVar:

ClinVar aggregate classification (germline): Conflicting classifications of pathogenicity. Review status: criteria provided, conflicting classifications (1 of 4 stars). 6 submissions from 6 submitters: Uncertain significance (3); Likely benign (3). Last evaluated 2026-05-12.

Conditions:
KIF1A-related disorder. Also called: KIF1A-related disorders; KIF1A-related condition.
Neuropathy, hereditary sensory, type 2C. Also called: Hereditary sensory and autonomic neuropathy type IIC; KIF1A-Related HSAN2 (HSAN2C). Identifiers: Orphanet 970, MedGen C3280168, MONDO:0013634, OMIM 614213.
Hereditary spastic paraplegia 30. Identifiers: Orphanet 101010, MedGen C5235139, MONDO:0012476.
Intellectual disability, autosomal dominant 9 (NESCAVS). Also called: KIF1A-Related Neurodevelopmental Disorder; NESCAV SYNDROME. Identifiers: Orphanet 662367, MedGen C5393830, MONDO:0013656, OMIM 614255.
Inborn genetic diseases. Identifiers: MedGen C0950123, MeSH D030342.

Allele frequency attached by ClinVar (database versions not stated): ExAC 0.00003; gnomAD exomes 0.00003 and 0.00004; gnomAD 0.00006; TOPMed 0.00006; ESP Exome Variant Server 0.00008.
gnomAD v4.1: 74 of 1,598,466 alleles (0.0046%); highest among the groups gnomAD compares: Non-Finnish European, 0.0052%; no homozygotes.

Submissions (6):

PreventionGenetics, part of Exact Sciences
Classification: Likely benign for KIF1A-related condition. Last evaluated: 2026-05-12. Review status: criteria provided, single submitter. Criteria: ACMG Guidelines, 2015. Collection method: clinical testing. Allele origin: germline.
Comment: This variant is classified as likely benign based on ACMG/AMP sequence variant interpretation guidelines (Richards et al. 2015 PMID: 25741868, with internal and published modifications).

Labcorp Genetics (formerly Invitae), Labcorp
Classification: Uncertain significance for Hereditary spastic paraplegia 30; Neuropathy, hereditary sensory, type 2C; Intellectual disability, autosomal dominant 9. Last evaluated: 2025-10-28. Review status: criteria provided, single submitter. Criteria: Invitae Variant Classification Sherloc (09022015). Collection method: clinical testing. Allele origin: germline.
Comment: This sequence change falls in intron 30 of the KIF1A gene. It does not directly change the encoded amino acid sequence of the KIF1A protein. It affects a nucleotide within the consensus splice site. This variant is present in population databases (rs371009856, gnomAD 0.01%). This variant has not been reported in the literature in individuals affected with KIF1A-related conditions. ClinVar contains an entry for this variant (Variation ID: 661176). Variants that disrupt the consensus splice site are a relatively common cause of aberrant splicing (PMID: 17576681, 9536098). Algorithms developed to predict the effect of sequence changes on RNA splicing suggest that this variant is not likely to affect RNA splicing. In summary, the available evidence is currently insufficient to determine the role of this variant in disease. Therefore, it has been classified as a Variant of Uncertain Significance.

Women's Health and Genetics/Laboratory Corporation of America, LabCorp
Classification: Uncertain significance. Last evaluated: 2025-01-13. Review status: criteria provided, single submitter. Criteria: LabCorp Variant Classification Summary - May 2015. Collection method: clinical testing. Allele origin: germline.
Comment: Variant summary: KIF1A c.3281+6C>T alters a non-conserved nucleotide located close to a canonical splice site and therefore could affect mRNA splicing, leading to a significantly altered protein sequence. Consensus agreement among computation tools predict no significant impact on normal splicing. However, these predictions have yet to be confirmed by functional studies. The variant allele was found at a frequency of 4.6e-05 in 1598466 control chromosomes. This frequency is not significantly higher than estimated for a pathogenic variant in KIF1A causing Neuropathy, hereditary sensory, type 2C (4.6e-05 vs 0.0011), allowing no conclusion about variant significance. To our knowledge, no occurrence of c.3281+6C>T in individuals affected with Neuropathy, hereditary sensory, type 2C and no experimental evidence demonstrating its impact on protein function have been reported. ClinVar contains an entry for this variant (Variation ID: 661176). Based on the evidence outlined above, the variant was classified as uncertain significance.

Blueprint Genetics
Classification: Likely benign. Last evaluated: 2024-09-16. Review status: criteria provided, single submitter. Criteria: ACMG Guidelines, 2015. Collection method: clinical testing. Allele origin: germline.

Ambry Genetics
Classification: Uncertain significance for Inborn genetic diseases. Last evaluated: 2020-03-19. Review status: criteria provided, single submitter. Criteria: Ambry Variant Classification Scheme 2023. Collection method: clinical testing. Allele origin: germline.
Comment: The c.3584+6C>T intronic variant results from a C to T substitution 6 nucleotides after coding exon 32 in the KIF1A gene. This nucleotide position is not well conserved in available vertebrate species. In silico splice site analysis predicts that this alteration will not have any significant effect on splicing. Since supporting evidence is limited at this time, the clinical significance of this alteration remains unclear.

GeneDx
Classification: Likely benign. Last evaluated: 2019-12-26. Review status: criteria provided, single submitter. Criteria: GeneDx Variant Classification Process June 2021. Collection method: clinical testing. Allele origin: germline. Affected: yes.

Literature cited by the submitters: PubMed 17576681 (cited by Labcorp Genetics (formerly Invitae), Labcorp); PubMed 9536098 (cited by Labcorp Genetics (formerly Invitae), Labcorp).

NM_001244008.2(KIF1A):c.3584+6C>T

Gene: KIF1A (kinesin family member 1A; minus strand). Cytogenetic location: 2q37.3.
Variant type: single nucleotide variant.
Coding change: c.3584+6C>T on transcript NM_001244008.2 (MANE Select); 6 bases into the intron after coding-DNA position 3584, C replaced by T.
Molecular consequence: intron variant.
Genome position (GRCh38, 1-based): chr2:240,743,936, G>A on the plus strand (C>T on the coding strand, the complement: KIF1A is on the minus strand). VCF-style: chr2-240743936-G-A. GRCh37 (hg19) VCF-style: chr2-241683353-G-A.
Other names: c.3281+6C>T (NM_001379653.1, NM_001379650.1, NM_001379641.1 and 5 more transcripts); c.3557+6C>T (NM_001379645.1, NM_001379633.1, NM_001379642.1); c.3383+6C>T (NM_001379635.1, NM_001330290.2, NM_001379646.1 and 1 more transcripts); c.3278+6C>T (NM_001379640.1); c.3533+6C>T (NM_001379632.1); c.3356+6C>T (NM_001379637.1, NM_001379648.1); c.3308+6C>T (NM_001320705.2, NM_001379638.1, NM_001330289.2); c.3659+6C>T (NM_001379631.1).
Identifiers: ClinVar variation 661176 (VCV000661176.18), dbSNP rs371009856, ClinGen allele CA2207772.